The following is an entry in ClinVar:

NM_000465.4(BARD1):c.1816C>A (p.His606Asn)

Gene: BARD1 (BRCA1 associated RING domain 1; minus strand). Cytogenetic location: 2q35.
Variant type: single nucleotide variant.
Coding change: c.1816C>A on transcript NM_000465.4 (MANE Select); coding-DNA position 1816, C replaced by A.
Protein change: p.His606Asn; replaces histidine 606 with asparagine.
Molecular consequence: missense variant. On other transcripts: non-coding transcript variant (3), intron variant (1).
Genome position (GRCh38, 1-based): chr2:214,745,154, G>T on the plus strand (C>A on the coding strand, the complement: BARD1 is on the minus strand). VCF-style: chr2-214745154-G-T. GRCh37 (hg19) VCF-style: chr2-215609878-G-T.
Other names: c.1759C>A, p.His587Asn (NM_001282543.2); c.463C>A, p.His155Asn (NM_001282545.2); c.406C>A, p.His136Asn (NM_001282548.2); c.365-14646C>A (NM_001282549.2); short protein forms H587N, H155N, H606N, H136N.
Identifiers: ClinVar variation 1780672 (VCV001780672.2), dbSNP rs1559386300, ClinGen allele CA350452368.

ClinVar aggregate classification (germline): Uncertain significance (1 of 4 stars; one submission).

Conditions:
Hereditary cancer-predisposing syndrome. Also called: Neoplastic Syndromes, Hereditary; Tumor predisposition; Hereditary Cancer Syndrome; Hereditary neoplastic syndrome. Identifiers: Orphanet 140162, MedGen C0027672, MeSH D009386, MONDO:0015356.

Submission:

Ambry Genetics
Classification: Uncertain significance for Hereditary cancer-predisposing syndrome. Last evaluated: 2019-02-07. Review status: criteria provided, single submitter. Criteria: Ambry Variant Classification Scheme 2023. Collection method: clinical testing. Allele origin: germline.
Comment: The p.H606N variant (also known as c.1816C>A), located in coding exon 9 of the BARD1 gene, results from a C to A substitution at nucleotide position 1816. The histidine at codon 606 is replaced by asparagine, an amino acid with similar properties. This amino acid position is highly conserved in available vertebrate species. In addition, the in silico prediction for this alteration is inconclusive. Since supporting evidence is limited at this time, the clinical significance of this alteration remains unclear.